The following is an entry in ClinVar:

NM_182925.5(FLT4):c.2647+31del

Gene: FLT4 (fms related receptor tyrosine kinase 4; minus strand). Cytogenetic location: 5q35.3.
Variant type: Deletion.
Coding change: c.2647+31del on transcript NM_182925.5 (MANE Select); 31 bases into the intron after coding-DNA position 2647, one base deleted (T; older notation c.2647+31delT).
Molecular consequence: intron variant.
Genome position (GRCh38, 1-based): chr5:180,619,634, A deleted on the plus strand (T on the coding strand, the reverse complement: FLT4 is on the minus strand). VCF-style (leftmost placement, unchanged base first): chr5-180619633-TA-T. GRCh37 (hg19) VCF-style: chr5-180046633-TA-T.
Other names: KM210557; c.2647+31del (NM_001354989.2, NM_002020.5).
Identifiers: ClinVar variation 204352 (VCV000204352.3), dbSNP rs796052109, ClinGen allele CA251292.

ClinVar aggregate classification (germline): Uncertain significance (0 of 4 stars; one submission).

Conditions:
Carcinoma of colon (CRC). Also called: Colonic carcinoma; Colon carcinoma. Identifiers: MedGen C0699790, MONDO:0002032.

Submission:

Immunobiology Lab; University of Kashmir
Classification: Uncertain significance for Carcinoma of colon. Last evaluated: 2014-05-07. Review status: no assertion criteria provided. Collection method: case-control. Allele origin: somatic. Affected: yes. Study: Mutational Hotspot profiling of Tyrosine Kinase domain of VEGF receptors in Human colorectal tumors.
Comment: The variation(s) were confirmed by double pass sequencing of PCR products amplified from genomic DNA of colonic lesions fron colorectal patients